The following is an entry in ClinVar:

ClinVar aggregate classification (germline): Uncertain significance. Review status: criteria provided, multiple submitters, no conflicts (2 of 4 stars). 3 submissions from 3 submitters: Uncertain significance (3). Last evaluated 2025-01-25.

Conditions:
Inborn genetic diseases. Identifiers: MedGen C0950123, MeSH D030342.
Ehlers-Danlos syndrome (EDS). Identifiers: Orphanet 98249, MedGen C0013720, MONDO:0020066.
Ehlers-Danlos syndrome, spondylodysplastic type, 3. Also called: Ehlers-Danlos syndrome, spondylocheirodysplastic type. Identifiers: Orphanet 157965, MedGen C2676510, MONDO:0012873, OMIM 612350.

Allele frequency attached by ClinVar (database versions not stated): gnomAD exomes below 0.00001 and 0.00001.
gnomAD v4.1: 13 of 1,613,790 alleles (0.00081%); highest among the groups gnomAD compares: Non-Finnish European, 0.0011%; no homozygotes.

Submissions (3):

Ambry Genetics
Classification: Uncertain significance for Inborn genetic diseases. Last evaluated: 2025-01-25. Review status: criteria provided, single submitter. Criteria: Ambry Variant Classification Scheme 2023. Collection method: clinical testing. Allele origin: germline.

Labcorp Genetics (formerly Invitae), Labcorp
Classification: Uncertain significance for Ehlers-Danlos syndrome, spondylodysplastic type, 3. Last evaluated: 2024-07-12. Review status: criteria provided, single submitter. Criteria: Invitae Variant Classification Sherloc (09022015). Collection method: clinical testing. Allele origin: germline.
Comment: This sequence change replaces glutamine, which is neutral and polar, with arginine, which is basic and polar, at codon 108 of the SLC39A13 protein (p.Gln108Arg). This variant is not present in population databases (gnomAD no frequency). This variant has not been reported in the literature in individuals affected with SLC39A13-related conditions. ClinVar contains an entry for this variant (Variation ID: 1702277). Advanced modeling of protein sequence and biophysical properties (such as structural, functional, and spatial information, amino acid conservation, physicochemical variation, residue mobility, and thermodynamic stability) performed at Invitae indicates that this missense variant is not expected to disrupt SLC39A13 protein function with a negative predictive value of 80%. In summary, the available evidence is currently insufficient to determine the role of this variant in disease. Therefore, it has been classified as a Variant of Uncertain Significance.

Genome Diagnostics Laboratory, The Hospital for Sick Children
Classification: Uncertain significance for Ehlers-Danlos syndrome. Last evaluated: 2019-04-01. Review status: criteria provided, single submitter. Criteria: ACMG Guidelines, 2015. Collection method: clinical testing. Allele origin: germline.

NM_001128225.3(SLC39A13):c.323A>G (p.Gln108Arg)

Gene: SLC39A13 (solute carrier family 39 member 13; plus strand). Cytogenetic location: 11p11.2.
Variant type: single nucleotide variant.
Coding change: c.323A>G on transcript NM_001128225.3 (MANE Select); coding-DNA position 323, A replaced by G.
Protein change: p.Gln108Arg; replaces glutamine 108 with arginine.
Molecular consequence: missense variant. On other transcripts: non-coding transcript variant (1).
Genome position (GRCh38, 1-based): chr11:47,411,947, A>G. VCF-style: chr11-47411947-A-G. GRCh37 (hg19) VCF-style: chr11-47433498-A-G.
Other names: c.323A>G, p.Gln108Arg (NM_001330245.2, NM_152264.5); short protein forms Q108R.
Identifiers: ClinVar variation 1702277 (VCV001702277.8), dbSNP rs1565662802, ClinGen allele CA380310554.
Genomic context (GRCh38, chr11:47,411,947, plus strand): 5'-AGCCAGTCAGCCCCCAGACCCCGCATCTCTCCCTTGTAGCTGGGGCCTGGCGCCTGAAGC[A>G]GCTGCTCAGCTTCGCCCTGGGGGGACTCTTGGGCAATGTGTTTCTGCATCTGCTGCCCGA-3'
Protein context (NP_001121697.2, residues 98-118): RSEAGAWRLK[Gln108Arg]LLSFALGGLL